The following is an entry in ClinVar:

NM_001127671.2(LIFR):c.*5670A>G

Gene: LIFR (LIF receptor subunit alpha; minus strand). Cytogenetic location: 5p13.1.
Variant type: single nucleotide variant.
Coding change: c.*5670A>G on transcript NM_001127671.2 (MANE Select); 5670 bases downstream of the stop codon, A replaced by G.
Molecular consequence: 3 prime UTR variant.
Genome position (GRCh38, 1-based): chr5:38,475,925, T>C on the plus strand (A>G on the coding strand, the complement: LIFR is on the minus strand). VCF-style: chr5-38475925-T-C. GRCh37 (hg19) VCF-style: chr5-38476027-T-C.
Other names: c.*5670A>G (NM_001364297.2, NM_001364298.2, NM_002310.6).
Identifiers: ClinVar variation 353531 (VCV000353531.6), dbSNP rs3822425, ClinGen allele CA10624496.

ClinVar aggregate classification (germline): Benign. Review status: criteria provided, multiple submitters, no conflicts (2 of 4 stars). 2 submissions from 2 submitters: Benign (2). Last evaluated 2018-01-13.

Conditions:
Stuve-Wiedemann syndrome (STWS). Also called: Stüve-Wiedemann syndrome. Identifiers: Orphanet 3206, MedGen C0796176, MONDO:0031280.

Allele frequency attached by ClinVar (database versions not stated): gnomAD 0.30662 and 0.31195; TOPMed 0.31061; 1000 Genomes Project 30x 0.32292; 1000 Genomes Project 0.32548; gnomAD exomes 0.32967.
gnomAD v4.1: 60,770 of 192,484 alleles (32%); highest among the groups gnomAD compares: East Asian, 41%; 10,116 homozygotes.

Submissions (2):

Illumina Laboratory Services, Illumina
Classification: Benign for Stüve-Wiedemann syndrome 1. Last evaluated: 2018-01-13. Review status: criteria provided, single submitter. Criteria: ICSL Variant Classification Criteria 13 December 2019. Collection method: clinical testing. Allele origin: germline.
Comment: This variant was observed in the ICSL laboratory as part of a predisposition screen in an ostensibly healthy population. It had not been previously curated by ICSL or reported in the Human Gene Mutation Database (HGMD: prior to June 1st, 2018), and was therefore a candidate for classification through an automated scoring system. Utilizing variant allele frequency, disease prevalence and penetrance estimates, and inheritance mode, an automated score was calculated to assess if this variant is too frequent to cause the disease. Based on the score and internal cut-off values, a variant classified as benign is not then subjected to further curation. The score for this variant resulted in a classification of benign for this disease.

Breakthrough Genomics
Classification: Benign. Review status: criteria provided, single submitter. Criteria: ACMG Guidelines, 2015. Collection method: not provided. Allele origin: germline. Inheritance: Autosomal recessive inheritance. Affected: yes.